The following is an entry in ClinVar:

ClinVar aggregate classification (germline): Uncertain significance (1 of 4 stars; one submission).

Submissions (2):

GeneDx
Classification: Uncertain significance. Last evaluated: 2024-09-09. Review status: criteria provided, single submitter. Criteria: GeneDx Variant Classification Process June 2021. Collection method: clinical testing. Allele origin: germline. Affected: yes.
Comment: Not observed at significant frequency in large population cohorts (gnomAD); In silico analysis supports that this missense variant has a deleterious effect on protein structure/function; Has not been previously published as pathogenic or benign to our knowledge

Dr. Peter K. Rogan Lab, Western University
No classification provided (evidence only). Condition: Squamous cell lung carcinoma. Review status: no classification provided. Collection method: in vitro. Allele origin: not applicable. Functional consequence: retained intron. Not counted in ClinVar's aggregate classification.

NM_005413.4(SIX3):c.580C>A (p.Arg194Ser)

Gene: SIX3 (SIX homeobox 3; plus strand). Cytogenetic location: 2p21.
Variant type: single nucleotide variant.
Coding change: c.580C>A on transcript NM_005413.4 (MANE Select); coding-DNA position 580, C replaced by A.
Protein change: p.Arg194Ser; replaces arginine 194 with serine.
Molecular consequence: missense variant.
Genome position (GRCh38, 1-based): chr2:44,942,684, C>A. VCF-style: chr2-44942684-C-A. GRCh37 (hg19) VCF-style: chr2-45169823-C-A.
Other names: NC_000002.11:g.45169823C>A; short protein forms R194S.
Identifiers: ClinVar variation 3767762 (VCV003767762.2).